The following is an entry in ClinVar:

NM_000553.6(WRN):c.3032C>T (p.Thr1011Ile)

Gene: WRN (WRN RecQ like helicase; plus strand). Cytogenetic location: 8p12.
Variant type: single nucleotide variant.
Coding change: c.3032C>T on transcript NM_000553.6 (MANE Select); coding-DNA position 3032, C replaced by T.
Protein change: p.Thr1011Ile; replaces threonine 1011 with isoleucine.
Molecular consequence: missense variant.
Genome position (GRCh38, 1-based): chr8:31,141,494, C>T. VCF-style: chr8-31141494-C-T. GRCh37 (hg19) VCF-style: chr8-30999010-C-T.
Other names: short protein forms T1011I.
Identifiers: ClinVar variation 948212 (VCV000948212.4), dbSNP rs1802628055, ClinGen allele CA370921955.

ClinVar aggregate classification (germline): Uncertain significance (1 of 4 stars; one submission).

Conditions:
Werner syndrome (WRN). Identifiers: Orphanet 902, MedGen C0043119, MONDO:0010196, OMIM 277700.

Submission:

Labcorp Genetics (formerly Invitae), Labcorp
Classification: Uncertain significance for Werner syndrome. Last evaluated: 2021-10-23. Review status: criteria provided, single submitter. Criteria: Invitae Variant Classification Sherloc (09022015). Collection method: clinical testing. Allele origin: germline.
Comment: This sequence change replaces threonine with isoleucine at codon 1011 of the WRN protein (p.Thr1011Ile). The threonine residue is weakly conserved and there is a moderate physicochemical difference between threonine and isoleucine. This variant is not present in population databases (ExAC no frequency). This variant has not been reported in the literature in individuals affected with WRN-related conditions. Algorithms developed to predict the effect of missense changes on protein structure and function are either unavailable or do not agree on the potential impact of this missense change (SIFT: "Not Available"; PolyPhen-2: "Possibly Damaging"; Align-GVGD: "Not Available"). In summary, the available evidence is currently insufficient to determine the role of this variant in disease. Therefore, it has been classified as a Variant of Uncertain Significance.